The following is an entry in ClinVar:

NM_181426.2(CCDC39):c.83A>C (p.Glu28Ala)

Gene: CCDC39 (coiled-coil domain 39 molecular ruler complex subunit; minus strand). Cytogenetic location: 3q26.33.
Variant type: single nucleotide variant.
Coding change: c.83A>C on transcript NM_181426.2 (MANE Select); coding-DNA position 83, A replaced by C.
Protein change: p.Glu28Ala; replaces glutamic acid 28 with alanine.
Molecular consequence: missense variant.
Genome position (GRCh38, 1-based): chr3:180,679,298, T>G on the plus strand (A>C on the coding strand, the complement: CCDC39 is on the minus strand). VCF-style: chr3-180679298-T-G. GRCh37 (hg19) VCF-style: chr3-180397086-T-G.
Other names: short protein forms E28A.
Identifiers: ClinVar variation 242177 (VCV000242177.11), dbSNP rs201794121, ClinGen allele CA2716256.
Genomic context (GRCh38, chr3:180,679,298, plus strand): 5'-ACGCCCCCAACAGGCTCTCTCTGCTTCCTCCCGCCTGCTTCAATTGATCTCACCTGATCT[T>G]CCAGTAGCTTGTTCTCCTCGTTCGCCACCGGGATGGCGAACCCATCCTCCCAGTGCAGCT-3'
Protein context (NP_852091.1, residues 18-38): PVANEENKLL[Glu28Ala]DQLSKLKDER

ClinVar aggregate classification (germline): Uncertain significance. Review status: criteria provided, multiple submitters, no conflicts (2 of 4 stars). 3 submissions from 3 submitters: Uncertain significance (3). Last evaluated 2025-12-23.

Conditions:
Primary ciliary dyskinesia 14. Also called: CILIARY DYSKINESIA, PRIMARY, 14, WITH OR WITHOUT SITUS INVERSUS. Identifiers: Orphanet 244, MedGen C3151136, MONDO:0013434, OMIM 613807.
Primary ciliary dyskinesia. Also called: Ciliary dyskinesia. Identifiers: Orphanet 244, MedGen C0008780, MONDO:0016575, HP:0012265.

Allele frequency attached by ClinVar (database versions not stated): gnomAD 0.00025; gnomAD exomes 0.00025; TOPMed 0.00025; ExAC 0.00026; ESP Exome Variant Server 0.00065.
gnomAD v4.1: 766 of 1,613,522 alleles (0.047%); highest among the groups gnomAD compares: Non-Finnish European, 0.063%; 1 homozygote.

Submissions (3):

Labcorp Genetics (formerly Invitae), Labcorp
Classification: Uncertain significance for Primary ciliary dyskinesia. Last evaluated: 2025-12-23. Review status: criteria provided, single submitter. Criteria: Invitae Variant Classification Sherloc (09022015). Collection method: clinical testing. Allele origin: germline.
Comment: This sequence change replaces glutamic acid, which is acidic and polar, with alanine, which is neutral and non-polar, at codon 28 of the CCDC39 protein (p.Glu28Ala). This variant is present in population databases (rs201794121, gnomAD 0.05%). This variant has not been reported in the literature in individuals affected with CCDC39-related conditions. ClinVar contains an entry for this variant (Variation ID: 242177). An algorithm developed to predict the effect of missense changes on protein structure and function (PolyPhen-2) suggests that this variant is likely to be disruptive. In summary, the available evidence is currently insufficient to determine the role of this variant in disease. Therefore, it has been classified as a Variant of Uncertain Significance.

Ambry Genetics
Classification: Uncertain significance for Primary ciliary dyskinesia. Last evaluated: 2025-01-31. Review status: criteria provided, single submitter. Criteria: Ambry Variant Classification Scheme 2023. Collection method: clinical testing. Allele origin: germline.
Comment: The p.E28A variant (also known as c.83A>C), located in coding exon 1 of the CCDC39 gene, results from an A to C substitution at nucleotide position 83. The glutamic acid at codon 28 is replaced by alanine, an amino acid with dissimilar properties. This amino acid position is highly conserved in available vertebrate species. In addition, the in silico prediction for this alteration is inconclusive. Since supporting evidence is limited at this time, the clinical significance of this alteration remains unclear.

Victorian Clinical Genetics Services, Murdoch Childrens Research Institute
Classification: Uncertain significance for Primary ciliary dyskinesia 14. Last evaluated: 2020-05-21. Review status: criteria provided, single submitter. Criteria: ACMG Guidelines, 2015. Collection method: clinical testing. Allele origin: germline. Inheritance: Autosomal recessive inheritance. Affected: yes.
Comment: A heterozygous missense variant was identified, NM_181426.2(CCDC39):c.83A>C in exon 1 of the CCDC39 gene. This substitution is predicted to create a major amino acid change from a glutamic acid to an alanine at position 28 of the protein; NP_852091.1(CCDC39):p.(Glu28Ala). The glutamic acid at this position has very high conservation (100 vertebrates, UCSC), and is located within the coiled coil domain (PDB). In silico software predicts this variant to be damaging (PolyPhen2, PROVEAN, Mutation Assessor). The variant is present in the gnomAD population database at a global population frequency of 0.02% (70 heterozygotes, 0 homozygotes) with a European sub-population frequency of 0.05%. This variant has been previously reported as a VUS (ClinVar). Based on information available at the time of curation, this variant has been classified as a VUS.